The following is an entry in ClinVar:

ClinVar aggregate classification (germline): Uncertain significance (1 of 4 stars; one submission).

Allele frequency attached by ClinVar (database versions not stated): TOPMed below 0.00001; gnomAD 0.00001.

Submission:

Labcorp Genetics (formerly Invitae), Labcorp
Classification: Uncertain significance. Last evaluated: 2024-10-29. Review status: criteria provided, single submitter. Criteria: Invitae Variant Classification Sherloc (09022015). Collection method: clinical testing. Allele origin: germline.
Comment: This sequence change replaces serine, which is neutral and polar, with proline, which is neutral and non-polar, at codon 443 of the PROM1 protein (p.Ser443Pro). This variant is not present in population databases (gnomAD no frequency). This variant has not been reported in the literature in individuals affected with PROM1-related conditions. ClinVar contains an entry for this variant (Variation ID: 1357615). Invitae Evidence Modeling of protein sequence and biophysical properties (such as structural, functional, and spatial information, amino acid conservation, physicochemical variation, residue mobility, and thermodynamic stability) indicates that this missense variant is expected to disrupt PROM1 protein function with a positive predictive value of 80%. In summary, the available evidence is currently insufficient to determine the role of this variant in disease. Therefore, it has been classified as a Variant of Uncertain Significance.

NM_006017.3(PROM1):c.1327T>C (p.Ser443Pro)

Gene: PROM1 (prominin 1; minus strand). Cytogenetic location: 4p15.32.
Variant type: single nucleotide variant.
Coding change: c.1327T>C on transcript NM_006017.3 (MANE Select); coding-DNA position 1327, T replaced by C.
Protein change: p.Ser443Pro; replaces serine 443 with proline.
Molecular consequence: missense variant.
Genome position (GRCh38, 1-based): chr4:16,006,665, A>G on the plus strand (T>C on the coding strand, the complement: PROM1 is on the minus strand). VCF-style: chr4-16006665-A-G. GRCh37 (hg19) VCF-style: chr4-16008288-A-G.
Other names: c.1300T>C, p.Ser434Pro (NM_001145847.2, NM_001145848.2, NM_001145851.2 and 4 more transcripts); c.1327T>C, p.Ser443Pro (NM_001145849.2, NM_001145850.2); short protein forms S443P, S434P.
Identifiers: ClinVar variation 1357615 (VCV001357615.7), dbSNP rs1725583230, ClinGen allele CA356435578.